The following is an entry in ClinVar:

NM_000814.6(GABRB3):c.1419C>G (p.Asn473Lys)

Gene: GABRB3 (gamma-aminobutyric acid type A receptor subunit beta3; minus strand). Cytogenetic location: 15q12.
Variant type: single nucleotide variant.
Coding change: c.1419C>G on transcript NM_000814.6 (MANE Select); coding-DNA position 1419, C replaced by G.
Protein change: p.Asn473Lys; replaces asparagine 473 with lysine.
Molecular consequence: missense variant.
Genome position (GRCh38, 1-based): chr15:26,547,796, G>C on the plus strand (C>G on the coding strand, the complement: GABRB3 is on the minus strand). VCF-style: chr15-26547796-G-C. GRCh37 (hg19) VCF-style: chr15-26792943-G-C.
Other names: c.1164C>G, p.Asn388Lys (NM_001191320.2, NM_001278631.2); c.1206C>G, p.Asn402Lys (NM_001191321.3); c.1419C>G, p.Asn473Lys (NM_021912.5); short protein forms N473K, N402K, N388K.
Identifiers: ClinVar variation 2949169 (VCV002949169.3), dbSNP rs2504113665, ClinGen allele CA391458384.

ClinVar aggregate classification (germline): Uncertain significance (1 of 4 stars; one submission).

Conditions:
Epilepsy, childhood absence, susceptibility to, 5. Identifiers: Orphanet 64280, MedGen C2677087, MONDO:0012843, OMIM 612269.
Epilepsy, childhood absence, susceptibility to, 1. Also called: Epilepsy, childhood absence 1. Identifiers: Orphanet 64280, MedGen C1838604, MONDO:0020759, OMIM 600131.

Submission:

Labcorp Genetics (formerly Invitae), Labcorp
Classification: Uncertain significance for Epilepsy, childhood absence, susceptibility to, 5; Epilepsy, childhood absence, susceptibility to, 1. Last evaluated: 2025-02-17. Review status: criteria provided, single submitter. Criteria: Invitae Variant Classification Sherloc (09022015). Collection method: clinical testing. Allele origin: germline.
Comment: This sequence change replaces asparagine, which is neutral and polar, with lysine, which is basic and polar, at codon 473 of the GABRB3 protein (p.Asn473Lys). This variant is not present in population databases (gnomAD no frequency). This variant has not been reported in the literature in individuals affected with GABRB3-related conditions. ClinVar contains an entry for this variant (Variation ID: 2949169). Invitae Evidence Modeling of protein sequence and biophysical properties (such as structural, functional, and spatial information, amino acid conservation, physicochemical variation, residue mobility, and thermodynamic stability) indicates that this missense variant is expected to disrupt GABRB3 protein function with a positive predictive value of 95%. In summary, the available evidence is currently insufficient to determine the role of this variant in disease. Therefore, it has been classified as a Variant of Uncertain Significance.